The following is an entry in ClinVar:

NM_001303256.3(MORC2):c.859C>T (p.Arg287Cys)

Gene: MORC2 (MORC family CW-type zinc finger 2; minus strand). Cytogenetic location: 22q12.2.
Variant type: single nucleotide variant.
Coding change: c.859C>T on transcript NM_001303256.3 (MANE Select); coding-DNA position 859, C replaced by T.
Protein change: p.Arg287Cys; replaces arginine 287 with cysteine.
Molecular consequence: missense variant.
Genome position (GRCh38, 1-based): chr22:30,940,803, G>A on the plus strand (C>T on the coding strand, the complement: MORC2 is on the minus strand). VCF-style: chr22-30940803-G-A. GRCh37 (hg19) VCF-style: chr22-31336790-G-A.
Other names: c.859C>T, p.Arg287Cys (NM_001303257.2); c.673C>T, p.Arg225Cys (NM_014941.3); short protein forms R287C, R225C.
Identifiers: ClinVar variation 1763978 (VCV001763978.3), dbSNP rs2040732647, ClinGen allele CA411240812.

ClinVar aggregate classification (germline): Uncertain significance. Review status: criteria provided, multiple submitters, no conflicts (2 of 4 stars). 2 submissions from 2 submitters: Uncertain significance (2). Last evaluated 2025-02-07.

Conditions:
Inborn genetic diseases. Identifiers: MedGen C0950123, MeSH D030342.
Charcot-Marie-Tooth disease axonal type 2Z. Also called: CHARCOT-MARIE-TOOTH DISEASE, AXONAL, AUTOSOMAL DOMINANT, TYPE 2Z; CHARCOT-MARIE-TOOTH NEUROPATHY, TYPE 2Z. Identifiers: Orphanet 466768, MedGen C5569025, MONDO:0014736, OMIM 616688.

Allele frequency attached by ClinVar (database versions not stated): gnomAD exomes 0.00001.
gnomAD v4.1: 6 of 1,614,048 alleles (0.00037%); highest among the groups gnomAD compares: African/African-American, 0.0013%; no homozygotes.

Submissions (2):

Labcorp Genetics (formerly Invitae), Labcorp
Classification: Uncertain significance for Charcot-Marie-Tooth disease axonal type 2Z. Last evaluated: 2025-02-07. Review status: criteria provided, single submitter. Criteria: Invitae Variant Classification Sherloc (09022015). Collection method: clinical testing. Allele origin: germline.
Comment: This sequence change replaces arginine, which is basic and polar, with cysteine, which is neutral and slightly polar, at codon 287 of the MORC2 protein (p.Arg287Cys). This variant is not present in population databases (gnomAD no frequency). This variant has not been reported in the literature in individuals affected with MORC2-related conditions. ClinVar contains an entry for this variant (Variation ID: 1763978). Invitae Evidence Modeling of protein sequence and biophysical properties (such as structural, functional, and spatial information, amino acid conservation, physicochemical variation, residue mobility, and thermodynamic stability) indicates that this missense variant is expected to disrupt MORC2 protein function with a positive predictive value of 95%. In summary, the available evidence is currently insufficient to determine the role of this variant in disease. Therefore, it has been classified as a Variant of Uncertain Significance.

Ambry Genetics
Classification: Uncertain significance for Inborn genetic diseases. Last evaluated: 2021-08-12. Review status: criteria provided, single submitter. Criteria: Ambry Variant Classification Scheme 2023. Collection method: clinical testing. Allele origin: germline.
Comment: The p.R287C variant (also known as c.859C>T), located in coding exon 10 of the MORC2 gene, results from a C to T substitution at nucleotide position 859. The arginine at codon 287 is replaced by cysteine, an amino acid with highly dissimilar properties. This amino acid position is highly conserved in available vertebrate species. In addition, the in silico prediction for this alteration is inconclusive. Since supporting evidence is limited at this time, the clinical significance of this alteration remains unclear.